The following is an entry in ClinVar:

ClinVar aggregate classification (germline): Pathogenic/Likely pathogenic. Review status: criteria provided, multiple submitters, no conflicts (2 of 4 stars). 3 submissions from 3 submitters: Pathogenic (2); Likely pathogenic (1). Last evaluated 2025-03-23.

Conditions:
GATA2 deficiency with susceptibility to MDS/AML. Identifiers: MedGen CN300066, MONDO:0042982.
Deafness-lymphedema-leukemia syndrome. Also called: Lymphedema, primary, with myelodysplasia; Emberger syndrome. Identifiers: Orphanet 3226, MedGen C3279664, MONDO:0013540, OMIM 614038.
Monocytopenia with susceptibility to infections. Also called: MONOCYTOPENIA WITH SUSCEPTIBILITY TO MYCOBACTERIAL, FUNGAL, AND PAPILLOMAVIRUS INFECTIONS AND MYELODYSPLASIA; COMBINED IMMUNODEFICIENCY WITH SUSCEPTIBILITY TO MYCOBACTERIAL, VIRAL, AND FUNGAL INFECTIONS; MONOCYTOPENIA AND MYCOBACTERIAL INFECTION SYNDROME; Dendritic cell, monocyte, B lymphocyte, and natural killer lymphocyte deficiency; IMMUNODEFICIENCY 21; GATA2 DEFICIENCY. Identifiers: Orphanet 228423, MedGen C3280030, MONDO:0013607, OMIM 614172.

Submissions (3):

Labcorp Genetics (formerly Invitae), Labcorp
Classification: Pathogenic for Monocytopenia with susceptibility to infections; Deafness-lymphedema-leukemia syndrome. Last evaluated: 2025-03-23. Review status: criteria provided, single submitter. Criteria: Invitae Variant Classification Sherloc (09022015). Collection method: clinical testing. Allele origin: germline.
Comment: This sequence change creates a premature translational stop signal (p.Gly268*) in the GATA2 gene. It is expected to result in an absent or disrupted protein product. Loss-of-function variants in GATA2 are known to be pathogenic (PMID: 21670465, 23223431). This variant is not present in population databases (gnomAD no frequency). This premature translational stop signal has been observed in individual(s) with Emberger syndrome (PMID: 26022708). ClinVar contains an entry for this variant (Variation ID: 800695). For these reasons, this variant has been classified as Pathogenic.

Molecular Pathology Research Laboratory, SA Pathology
Classification: Pathogenic for GATA2 deficiency with susceptibility to MDS/AML; Deafness-lymphedema-leukemia syndrome. Last evaluated: 2021-07-06. Review status: criteria provided, single submitter. Criteria: ACMG Guidelines, 2015. Collection method: curation. Allele origin: germline. Inheritance: Autosomal dominant inheritance. Affected: yes. Observed: 3 variant alleles. Clinical features observed: Myelodysplasia, Acute Myeloid Leukemia, Immunodeficiency, Lymphedema.
Comment: PVS1, PS4_Moderate, PM2

PreventionGenetics, part of Exact Sciences
Classification: Likely pathogenic. Last evaluated: 2015-07-14. Review status: criteria provided, single submitter. Criteria: ACMG Guidelines, 2015. Collection method: clinical testing. Allele origin: germline.

Literature cited by the submitters: PubMed 21670465 (cited by Labcorp Genetics (formerly Invitae), Labcorp); PubMed 23223431 (cited by Labcorp Genetics (formerly Invitae), Labcorp); PubMed 26022708 (cited by Labcorp Genetics (formerly Invitae), Labcorp and Molecular Pathology Research Laboratory, SA Pathology); PubMed 30578959 (cited by Molecular Pathology Research Laboratory, SA Pathology); PubMed 26702063 (cited by Molecular Pathology Research Laboratory, SA Pathology).

NM_032638.5(GATA2):c.802G>T (p.Gly268Ter)

Gene: GATA2 (GATA binding protein 2; minus strand). Cytogenetic location: 3q21.3.
Variant type: single nucleotide variant.
Coding change: c.802G>T on transcript NM_032638.5 (MANE Select); coding-DNA position 802, G replaced by T.
Protein change: p.Gly268Ter; replaces glycine 268 with a stop codon.
Molecular consequence: nonsense.
Genome position (GRCh38, 1-based): chr3:128,485,796, C>A on the plus strand (G>T on the coding strand, the complement: GATA2 is on the minus strand). VCF-style: chr3-128485796-C-A. GRCh37 (hg19) VCF-style: chr3-128204639-C-A.
Other names: c.802G>T, p.Gly268Ter (NM_001145661.2, NM_001145662.1); short protein forms G268*.
Identifiers: ClinVar variation 800695 (VCV000800695.5), dbSNP rs764747992, ClinGen allele CA354405865.